The following is an entry in ClinVar:

NM_000069.3(CACNA1S):c.5104C>T (p.Arg1702Ter)

Gene: CACNA1S (calcium voltage-gated channel subunit alpha1 S; minus strand). Cytogenetic location: 1q32.1.
Variant type: single nucleotide variant.
Coding change: c.5104C>T on transcript NM_000069.3 (MANE Select); coding-DNA position 5104, C replaced by T.
Protein change: p.Arg1702Ter; replaces arginine 1702 with a stop codon.
Molecular consequence: nonsense.
Genome position (GRCh38, 1-based): chr1:201,041,534, G>A on the plus strand (C>T on the coding strand, the complement: CACNA1S is on the minus strand). VCF-style: chr1-201041534-G-A. GRCh37 (hg19) VCF-style: chr1-201010662-G-A.
Other names: short protein forms R1702*.
Identifiers: ClinVar variation 402469 (VCV000402469.33), dbSNP rs550371466, ClinGen allele CA083722.
Genomic context (GRCh38, chr1:201,041,534, plus strand): 5'-AAGCTTCTTAGATGCACAGAAGGGACTGACCCAGGACCCTGCAGGGTTGGCCAAGGGCTC[G>A]TCCTCTGGTAGCAGGCGTCTCTGTCTCTTCTGGGAACTCCCTTTCATAGTGGACACTGAA-3'

ClinVar aggregate classification (germline): Conflicting classifications of pathogenicity. Review status: criteria provided, conflicting classifications (1 of 4 stars). 12 submissions from 12 submitters: Pathogenic (4); Likely pathogenic (1); Uncertain significance (5). 2 of the submissions do not count toward it. Last evaluated 2025-12-31.

Conditions:
CACNA1S-related disorder. Also called: CACNA1S-related condition.
Hypokalemic periodic paralysis, type 1. Also called: Hypokalemic Periodic Paralysis Type 1 (AD); HypoPP. Identifiers: Orphanet 681, MedGen C3714580, MONDO:0042979, OMIM 170400.
Malignant hyperthermia, susceptibility to, 5 (MHS5). Also called: CACNA1S-Related Malignant Hyperthermia Susceptibility. Identifiers: Orphanet 423, MedGen C1866077, MONDO:0011163, OMIM 601887.
Thyrotoxic periodic paralysis, susceptibility to, 1 (TTPP1). Identifiers: Orphanet 79102, MedGen C2749982, MONDO:0008570, OMIM 188580.
Congenital myopathy 18. Also called: DIHYDROPYRIDINE RECEPTOR CONGENITAL MYOPATHY; DHPR CONGENITAL MYOPATHY; Myopathy, congenital, due to dihydropyridine receptor defect. Identifiers: OMIM 620246, MedGen C5830283, MONDO:0859514.

Allele frequency attached by ClinVar (database versions not stated): TOPMed 0.00006; ExAC 0.00009; 1000 Genomes Project 0.00020; 1000 Genomes Project 30x 0.00031.
gnomAD v4.1: 64 of 1,614,068 alleles (0.004%); highest among the groups gnomAD compares: Admixed American, 0.033%; no homozygotes.

Submissions (12):

Labcorp Genetics (formerly Invitae), Labcorp
Classification: Pathogenic for Hypokalemic periodic paralysis, type 1; Malignant hyperthermia, susceptibility to, 5. Last evaluated: 2025-12-31. Review status: criteria provided, single submitter. Criteria: Invitae Variant Classification Sherloc (09022015). Collection method: clinical testing. Allele origin: germline.
Comment: This sequence change creates a premature translational stop signal (p.Arg1702*) in the CACNA1S gene. It is expected to result in an absent or disrupted protein product. Loss-of-function variants in CACNA1S are known to be pathogenic (PMID: 26247046, 28012042). This variant is present in population databases (rs550371466, gnomAD 0.06%). This premature translational stop signal has been observed in individual(s) with clinical features of autosomal recessive CACNA1S-related conditions (PMID: 29792937; internal data). ClinVar contains an entry for this variant (Variation ID: 402469). For these reasons, this variant has been classified as Pathogenic.

Variantyx, Inc.
Classification: Pathogenic for Congenital myopathy 18. Last evaluated: 2025-08-14. Review status: criteria provided, single submitter. Criteria: Variantyx Assertion Criteria 2022. Collection method: clinical testing. Allele origin: germline. Inheritance: Autosomal recessive inheritance. Affected: no.
Comment: This is a nonsense variant in the CACNA1S gene (OMIM: 114208). Pathogenic variants in this gene have been associated with autosomal recessive congenital myopathy 18. This variant introduces a premature termination codon in exon 41 out of 44 and it is expected to result in loss of function, which is a known disease mechanism for CACNA1S in this disorder (PVS1). This variant has been reported in the homozygous or compound heterozygous state in at least one unrelated affected individuals (PMID: 34440373) (PM3). This variant has a 0.0333% maximum allele frequency in non-founder control populations (PM2_Supporting). Based on the current evidence, this variant is classified as pathogenic for autosomal recessive congenital myopathy 18.

Women's Health and Genetics/Laboratory Corporation of America, LabCorp
Classification: Pathogenic for Congenital myopathy 18. Last evaluated: 2025-01-22. Review status: criteria provided, single submitter. Criteria: LabCorp Variant Classification Summary - May 2015. Collection method: clinical testing. Allele origin: germline.
Comment: Variant summary: CACNA1S c.5104C>T (p.Arg1702X) results in a premature termination codon, predicted to cause a truncation of the encoded protein or absence of the protein due to nonsense mediated decay, which are commonly known mechanisms for disease. The variant allele was found at a frequency of 9.2e-05 in 251228 control chromosomes. This frequency is not significantly higher than estimated for a pathogenic variant in CACNA1S causing Congenital myopathy 18-AR, allowing no conclusion about variant significance. c.5104C>T has been reported in the literature in individuals affected features of Myopathies and muscular dystrophies (Zenagui_2018, captured in Juntas_2021), and/or neuromuscular disease with neonatal respiratory distress (example, Franois-Heude_2021). To our knowledge, no experimental evidence demonstrating an impact on protein function has been reported. The following publications have been ascertained in the context of this evaluation (PMID: 29792937, 34440373, 33667896). ClinVar contains an entry for this variant (Variation ID: 402469). Based on the evidence outlined above, the variant was classified as pathogenic.

Blueprint Genetics
Classification: Likely pathogenic for CACNA1S-related disorders. Last evaluated: 2024-04-30. Review status: criteria provided, single submitter. Criteria: ACMG Guidelines, 2015. Collection method: clinical testing. Allele origin: germline. Affected: yes. Observed: 5 variant alleles.

Fulgent Genetics
Classification: Pathogenic for Hypokalemic periodic paralysis, type 1; Thyrotoxic periodic paralysis, susceptibility to, 1; Malignant hyperthermia, susceptibility to, 5; Congenital myopathy 18. Last evaluated: 2024-04-12. Review status: criteria provided, single submitter. Criteria: ACMG Guidelines, 2015. Collection method: clinical testing. Allele origin: germline.

Color Diagnostics, LLC DBA Color Health
Classification: Uncertain significance for Malignant hyperthermia, susceptibility to, 5. Last evaluated: 2024-02-05. Review status: criteria provided, single submitter. Criteria: ACMG Guidelines, 2015. Collection method: clinical testing. Allele origin: germline.
Comment: This variant changes 1 nucleotide in exon 41 of the CACNA1S gene, creating a premature translation stop signal. This variant is expected to result in an absent or non-functional protein product. To our knowledge, this variant has not been reported in individuals affected with CACNA1S-related disorders in the literature. This variant has been identified in 24/282624 chromosomes in the general population by the Genome Aggregation Database (gnomAD). Loss of CACNA1S gene function due to truncation variant is not an established disease mechanism for autosomal dominant malignant hyperthermia, although it is associated with other phenotype(s) (ClinVar Variation ID: 402469). Due to insufficient evidence, this variant is classified as a Variant of Uncertain Significance for autosomal dominant malignant hyperthermia.

Department of Pathology and Laboratory Medicine, Sinai Health System
Classification: Uncertain significance for Malignant hyperthermia, susceptibility to, 5; Thyrotoxic periodic paralysis, susceptibility to, 1; Hypokalemic periodic paralysis, type 1. Last evaluated: 2023-02-13. Review status: criteria provided, single submitter. Criteria: ACMG Guidelines, 2015. Collection method: research. Allele origin: germline.

GeneDx
Classification: Uncertain significance. Last evaluated: 2021-07-20. Review status: criteria provided, single submitter. Criteria: GeneDx Variant Classification Process June 2021. Collection method: clinical testing. Allele origin: germline. Affected: yes.
Comment: Nonsense variant predicted to result in protein truncation or nonsense mediated decay in a gene for which loss-of-function is a known mechanism of disease; Reported previously in an individual undergoing genetic testing for a myopathy or muscular dystrophy phenotype, although no specifics about this individual were described (Zenagui et al., 2018) This variant is associated with the following publications: (PMID: 29792937)

Illumina Laboratory Services, Illumina
Classification: Uncertain significance for Hypokalemic periodic paralysis, type 1. Last evaluated: 2018-01-12. Review status: criteria provided, single submitter. Criteria: ICSL Variant Classification Criteria 13 December 2019. Collection method: clinical testing. Allele origin: germline.

Laboratory for Molecular Medicine, Mass General Brigham Personalized Medicine
Classification: Uncertain significance. Last evaluated: 2016-06-23. Review status: criteria provided, single submitter. Criteria: LMM Criteria. Collection method: clinical testing. Allele origin: germline.
Comment: Variant identified in a genome or exome case(s) and assessed due to predicted null impact of the variant or pathogenic assertions in the literature or databases. Disclaimer: This variant has not undergone full assessment. The following are preliminary notes: The ACMG has recommended that ONLY known pathogenic variants for MH be reported as incidental findings. LOF not a known disease mechanism for MH.

PreventionGenetics, part of Exact Sciences
Classification: Uncertain significance for CACNA1S-related condition. Last evaluated: 2024-06-11. Review status: no assertion criteria provided. Collection method: clinical testing. Allele origin: germline. Not counted in ClinVar's aggregate classification.
Comment: The CACNA1S c.5104C>T variant is predicted to result in premature protein termination (p.Arg1702*). This variant has been reported in an individual with myopathy, but no family or functional data were provided to help assess the pathogenicity of this variant (Zenagui et al 2018. PubMed ID: 29792937). This variant is reported in 0.048% of alleles in individuals of Ashkenazi Jewish descent in gnomAD. Although we suspect that this variant may be pathogenic, at this time, the clinical significance of this variant is uncertain due to the absence of conclusive functional and genetic evidence.

Gharavi Laboratory, Columbia University
Classification: Uncertain significance. Last evaluated: 2018-09-16. Review status: no assertion criteria provided. Criteria: ACMG Guidelines, 2015. Collection method: research. Allele origin: germline. Affected: no. Not counted in ClinVar's aggregate classification.

Literature cited by the submitters: PubMed 26247046 (cited by Labcorp Genetics (formerly Invitae), Labcorp); PubMed 28012042 (cited by Labcorp Genetics (formerly Invitae), Labcorp); PubMed 29792937 (cited by Labcorp Genetics (formerly Invitae), Labcorp and Women's Health and Genetics/Laboratory Corporation of America, LabCorp); PubMed 34440373 (cited by Variantyx, Inc. and Women's Health and Genetics/Laboratory Corporation of America, LabCorp); PubMed 33667896 (cited by Women's Health and Genetics/Laboratory Corporation of America, LabCorp).